The following is an entry in ClinVar:

ClinVar aggregate classification (germline): Pathogenic (1 of 4 stars; one submission).

Conditions:
Breast-ovarian cancer, familial, susceptibility to, 3. Also called: RAD51C-Related Breast/Ovarian Cancer. Identifiers: Orphanet 145, MedGen C3150659, MONDO:0013253, OMIM 613399.

Submission:

Myriad Genetics, Inc.
Classification: Pathogenic for Breast-ovarian cancer, familial, susceptibility to, 3. Last evaluated: 2024-01-03. Review status: criteria provided, single submitter. Criteria: Myriad Autosomal Dominant, Autosomal Recessive and X-Linked Classification Criteria (2023). Collection method: clinical testing. Allele origin: unknown.
Comment: This variant is considered pathogenic. This variant creates a frameshift predicted to result in premature protein truncation.

NM_058216.3(RAD51C):c.616dup (p.Ser206fs)

Genes: RAD51C (RAD51 paralog C; plus strand), LOC129390903 (MPRA-validated peak2919 silencer; plus strand). Cytogenetic location: 17q22.
Variant type: Duplication.
Coding change: c.616dup on transcript NM_058216.3 (MANE Select); coding-DNA position 616, one base duplicated (T; older notation c.616dupT).
Protein change: p.Ser206fs; shifts the reading frame from serine 206.
Molecular consequence: frameshift variant. On other transcripts: non-coding transcript variant (1).
Genome position (GRCh38, 1-based): chr17:58,703,240, T duplicated; the last of 3 consecutive T bases (chr17:58,703,238-58,703,240); duplicating any one gives the same sequence. VCF-style (leftmost placement, unchanged base first): chr17-58703237-C-CT. GRCh37 (hg19) VCF-style: chr17-56780598-C-CT.
Other names: c.*44dup (NM_058217.1); short protein forms S206fs.
Identifiers: ClinVar variation 3148354 (VCV003148354.1), dbSNP rs2509299426, ClinGen allele CA2825002566.